The following is an entry in ClinVar:

ClinVar aggregate classification (germline): Benign/Likely benign. Review status: criteria provided, multiple submitters, no conflicts (2 of 4 stars). 7 submissions from 5 submitters: Benign (2); Likely benign (5). Last evaluated 2026-02-01.

Conditions:
Atypical hemolytic-uremic syndrome. Identifiers: Orphanet 2134, MedGen C2931788, MONDO:0016244.
Atypical hemolytic-uremic syndrome with C3 anomaly. Also called: AHUS, SUSCEPTIBILITY TO, 5. Identifiers: Orphanet 2134, MedGen C2752037, MONDO:0013043, OMIM 612925.
Age related macular degeneration 9. Identifiers: MedGen C1969651, MONDO:0012659, OMIM 611378.
Complement component 3 deficiency. Identifiers: Orphanet 280133, MedGen C3151071, MONDO:0013417, OMIM 613779.

Allele frequency attached by ClinVar (database versions not stated): gnomAD exomes 0.00061; ExAC 0.00071; gnomAD 0.00226 and 0.00242; 1000 Genomes Project 0.00240; TOPMed 0.00241; ESP Exome Variant Server 0.00269; 1000 Genomes Project 30x 0.00297.
gnomAD v4.1: 761 of 1,613,302 alleles (0.047%); highest among the groups gnomAD compares: African/African-American, 0.78%; 4 homozygotes.

Submissions (7):

Labcorp Genetics (formerly Invitae), Labcorp
Classification: Benign. Last evaluated: 2026-02-01. Review status: criteria provided, single submitter. Criteria: Invitae Variant Classification Sherloc (09022015). Collection method: clinical testing. Allele origin: germline.

Mayo Clinic Laboratories, Mayo Clinic
Classification: Likely benign. Last evaluated: 2025-06-30. Review status: criteria provided, single submitter. Criteria: ACMG Guidelines, 2015. Collection method: clinical testing. Allele origin: germline. Observed: 20 variant alleles.
Comment: BP4, BP7

Blueprint Genetics
Classification: Likely benign. Last evaluated: 2024-09-02. Review status: criteria provided, single submitter. Criteria: ACMG Guidelines, 2015. Collection method: clinical testing. Allele origin: germline.

Genome Diagnostics Laboratory, The Hospital for Sick Children
Classification: Likely benign for Atypical hemolytic-uremic syndrome. Last evaluated: 2022-08-10. Review status: criteria provided, single submitter. Criteria: ACMG Guidelines, 2015. Collection method: clinical testing. Allele origin: germline.

Illumina Laboratory Services, Illumina
Classification: Benign for Atypical hemolytic-uremic syndrome with C3 anomaly. Last evaluated: 2018-01-13. Review status: criteria provided, single submitter. Criteria: ICSL Variant Classification Criteria 13 December 2019. Collection method: clinical testing. Allele origin: germline.
Comment: This variant was observed in the ICSL laboratory as part of a predisposition screen in an ostensibly healthy population. It had not been previously curated by ICSL or reported in the Human Gene Mutation Database (HGMD: prior to June 1st, 2018), and was therefore a candidate for classification through an automated scoring system. Utilizing variant allele frequency, disease prevalence and penetrance estimates, and inheritance mode, an automated score was calculated to assess if this variant is too frequent to cause the disease. Based on the score and internal cut-off values, a variant classified as benign is not then subjected to further curation. The score for this variant resulted in a classification of benign for this disease.

Illumina Laboratory Services, Illumina
Classification: Likely benign for Age related macular degeneration 9. Last evaluated: 2018-01-13. Review status: criteria provided, single submitter. Criteria: ICSL Variant Classification Criteria 13 December 2019. Collection method: clinical testing. Allele origin: germline.
Comment: This variant was observed in the ICSL laboratory as part of a predisposition screen in an ostensibly healthy population. It had not been previously curated by ICSL or reported in the Human Gene Mutation Database (HGMD: prior to June 1st, 2018), and was therefore a candidate for classification through an automated scoring system. Utilizing variant allele frequency, disease prevalence and penetrance estimates, and inheritance mode, an automated score was calculated to assess if this variant is too frequent to cause the disease. Based on the score and internal cut-off values, a variant classified as likely benign is not then subjected to further curation. The score for this variant resulted in a classification of likely benign for this disease.

Illumina Laboratory Services, Illumina
Classification: Likely benign for Complement component 3 deficiency. Last evaluated: 2018-01-13. Review status: criteria provided, single submitter. Criteria: ICSL Variant Classification Criteria 13 December 2019. Collection method: clinical testing. Allele origin: germline.
Comment: the same text as in the submission from Illumina Laboratory Services, Illumina above.

NM_000064.4(C3):c.4631-9C>T

Gene: C3 (complement C3; minus strand). Cytogenetic location: 19p13.3.
Variant type: single nucleotide variant.
Coding change: c.4631-9C>T on transcript NM_000064.4 (MANE Select); 9 bases into the intron before coding-DNA position 4631, C replaced by T.
Molecular consequence: intron variant.
Genome position (GRCh38, 1-based): chr19:6,678,464, G>A on the plus strand (C>T on the coding strand, the complement: C3 is on the minus strand). VCF-style: chr19-6678464-G-A. GRCh37 (hg19) VCF-style: chr19-6678475-G-A.
Other names: p.?; c.4631-9C>T (LRG_27t1).
Identifiers: ClinVar variation 330280 (VCV000330280.17), dbSNP rs116302413, ClinGen allele CA9128313.